The following is an entry in ClinVar:

NM_001148.6(ANK2):c.5807G>A (p.Arg1936His)

Genes: ANK2 (ankyrin 2; plus strand), LOC126807136 (MED14-independent group 3 enhancer GRCh37_chr4:114274931-114276130; plus strand). Cytogenetic location: 4q26.
Variant type: single nucleotide variant.
Coding change: c.5807G>A on transcript NM_001148.6 (MANE Select); coding-DNA position 5807, G replaced by A.
Protein change: p.Arg1936His; replaces arginine 1936 with histidine.
Molecular consequence: missense variant. On other transcripts: intron variant (68).
Genome position (GRCh38, 1-based): chr4:113,354,425, G>A. VCF-style: chr4-113354425-G-A. GRCh37 (hg19) VCF-style: chr4-114275581-G-A.
Other names: c.5573G>A, p.Arg1858His (NM_001386142.1); c.2207G>A, p.Arg736His (NM_001386166.1); c.5948G>A, p.Arg1983His (NM_001386174.1); c.5924G>A, p.Arg1975His (NM_001386175.1); c.4411+4176G>A (NM_001386186.2, NM_001386148.2); c.4213+4176G>A (NM_001354269.3); c.4291+4176G>A (NM_001386187.2); c.4252+4176G>A (NM_001386147.1); and 35 more; short protein forms R1936H, R736H, R1858H, R1975H, R1983H.
Identifiers: ClinVar variation 2810736 (VCV002810736.4), dbSNP rs773045751, ClinGen allele CA3051303.
Genomic context (GRCh38, chr4:113,354,425, plus strand): 5'-TATCGCCCTCCGGGAGGACAGAAAAACACCCGCCAGTATCGCCTGGGAGAACAGAAAAAC[G>A]CTTGCCTGTTTCACCCTCCGGAAGAACGGACAAGCACCAACCTGTATCAACAGCTGGGAA-3'
Protein context (NP_001139.3, residues 1926-1946): PPVSPGRTEK[Arg1936His]LPVSPSGRTD

ClinVar aggregate classification (germline): Conflicting classifications of pathogenicity. Review status: criteria provided, conflicting classifications (1 of 4 stars). 2 submissions from 2 submitters: Uncertain significance (1); Likely benign (1). Last evaluated 2023-10-18.

Conditions:
Long QT syndrome (LQTS). Identifiers: MedGen C0023976, MeSH D008133, MONDO:0002442. Disease mechanism: loss of function. Inheritance: Various modes of inheritance.

gnomAD v4.1: 26 of 1,613,834 alleles (0.0016%); highest among the groups gnomAD compares: East Asian, 0.0045%; no homozygotes.

Submissions (2):

Labcorp Genetics (formerly Invitae), Labcorp
Classification: Uncertain significance for Long QT syndrome. Last evaluated: 2023-10-18. Review status: criteria provided, single submitter. Criteria: Invitae Variant Classification Sherloc (09022015). Collection method: clinical testing. Allele origin: germline.
Comment: This sequence change replaces arginine, which is basic and polar, with histidine, which is basic and polar, at codon 1936 of the ANK2 protein (p.Arg1936His). This variant is present in population databases (rs773045751, gnomAD 0.004%). This variant has not been reported in the literature in individuals affected with ANK2-related conditions. Algorithms developed to predict the effect of missense changes on protein structure and function output the following: SIFT: "Not Available"; PolyPhen-2: "Benign"; Align-GVGD: "Not Available". The histidine amino acid residue is found in multiple mammalian species, which suggests that this missense change does not adversely affect protein function. In summary, the available evidence is currently insufficient to determine the role of this variant in disease. Therefore, it has been classified as a Variant of Uncertain Significance.

Blueprint Genetics
Classification: Likely benign. Last evaluated: 2021-06-29. Review status: criteria provided, single submitter. Criteria: ACMG Guidelines, 2015. Collection method: clinical testing. Allele origin: germline.